The following is an entry in ClinVar:

ClinVar aggregate classification (germline): Uncertain significance. Review status: criteria provided, multiple submitters, no conflicts (2 of 4 stars). 2 submissions from 2 submitters: Uncertain significance (2). Last evaluated 2024-04-14.

Conditions:
Autoimmune lymphoproliferative syndrome type 2A (ALPS2A). Also called: CASP10-Related Autoimmune Lymphoproliferative Syndrome; Autoimmune lymphoproliferative syndrome type 2; AUTOIMMUNE LYMPHOPROLIFERATIVE SYNDROME, TYPE IIA. Identifiers: Orphanet 3261, MedGen C1858968, MONDO:0011383, OMIM 603909.

Allele frequency attached by ClinVar (database versions not stated): ExAC 0.00001; gnomAD 0.00001; gnomAD exomes 0.00001 and 0.00002; TOPMed 0.00002.
gnomAD v4.1: 28 of 1,613,044 alleles (0.0017%); highest among the groups gnomAD compares: Non-Finnish European, 0.0024%; no homozygotes.

Submissions (2):

Labcorp Genetics (formerly Invitae), Labcorp
Classification: Uncertain significance for Autoimmune lymphoproliferative syndrome type 2A. Last evaluated: 2024-04-14. Review status: criteria provided, single submitter. Criteria: Invitae Variant Classification Sherloc (09022015). Collection method: clinical testing. Allele origin: germline.
Comment: This sequence change replaces alanine, which is neutral and non-polar, with valine, which is neutral and non-polar, at codon 259 of the CASP10 protein (p.Ala259Val). This variant is present in population databases (rs747722985, gnomAD 0.002%). This variant has not been reported in the literature in individuals affected with CASP10-related conditions. ClinVar contains an entry for this variant (Variation ID: 1517950). Advanced modeling of protein sequence and biophysical properties (such as structural, functional, and spatial information, amino acid conservation, physicochemical variation, residue mobility, and thermodynamic stability) performed at Invitae indicates that this missense variant is not expected to disrupt CASP10 protein function with a negative predictive value of 80%. In summary, the available evidence is currently insufficient to determine the role of this variant in disease. Therefore, it has been classified as a Variant of Uncertain Significance.

Ambry Genetics
Classification: Uncertain significance. Last evaluated: 2024-01-09. Review status: criteria provided, single submitter. Criteria: Ambry Variant Classification Scheme 2023. Collection method: clinical testing. Allele origin: germline.

NM_032977.4(CASP10):c.776C>T (p.Ala259Val)

Gene: CASP10 (caspase 10; plus strand). Cytogenetic location: 2q33.1.
Variant type: single nucleotide variant.
Coding change: c.776C>T on transcript NM_032977.4 (MANE Select); coding-DNA position 776, C replaced by T.
Protein change: p.Ala259Val; replaces alanine 259 with valine.
Molecular consequence: missense variant. On other transcripts: intron variant (4).
Genome position (GRCh38, 1-based): chr2:201,205,936, C>T. VCF-style: chr2-201205936-C-T. GRCh37 (hg19) VCF-style: chr2-202070659-C-T.
Other names: c.685-2139C>T (NM_001206542.2, NM_001230.5); c.722-2139C>T (NM_032976.4); c.721+2170C>T (NM_001206524.2); c.776C>T (NM_032977.3); c.776C>T, p.Ala259Val (NM_032974.5); short protein forms A259V.
Identifiers: ClinVar variation 1517950 (VCV001517950.7), dbSNP rs747722985, ClinGen allele CA2053045.